The following is an entry in ClinVar:

NM_001378454.1(ALMS1):c.11201C>A (p.Ser3734Tyr)

Gene: ALMS1 (ALMS1 centrosome and basal body associated protein; plus strand). Cytogenetic location: 2p13.1.
Variant type: single nucleotide variant.
Coding change: c.11201C>A on transcript NM_001378454.1 (MANE Select); coding-DNA position 11201, C replaced by A.
Protein change: p.Ser3734Tyr; replaces serine 3734 with tyrosine.
Molecular consequence: missense variant.
Genome position (GRCh38, 1-based): chr2:73,573,078, C>A. VCF-style: chr2-73573078-C-A. GRCh37 (hg19) VCF-style: chr2-73800205-C-A.
Other names: c.11204C>A, p.Ser3735Tyr (NM_015120.4); short protein forms S3734Y, S3735Y.
Identifiers: ClinVar variation 2195614 (VCV002195614.4), dbSNP rs1429358696, ClinGen allele CA347288152.

ClinVar aggregate classification (germline): Uncertain significance (1 of 4 stars; one submission).

Conditions:
Alstrom syndrome (ALMS). Identifiers: Orphanet 64, MedGen C0268425, MONDO:0008763, OMIM 203800.

Allele frequency attached by ClinVar (database versions not stated): gnomAD exomes below 0.00001.
gnomAD v4.1: 1 of 1,614,060 alleles (0.000062%); highest among the groups gnomAD compares: Non-Finnish European, 0.000085%; no homozygotes.

Submission:

Labcorp Genetics (formerly Invitae), Labcorp
Classification: Uncertain significance for Alstrom syndrome. Last evaluated: 2022-04-28. Review status: criteria provided, single submitter. Criteria: Invitae Variant Classification Sherloc (09022015). Collection method: clinical testing. Allele origin: germline.
Comment: This variant is not present in population databases (gnomAD no frequency). In summary, the available evidence is currently insufficient to determine the role of this variant in disease. Therefore, it has been classified as a Variant of Uncertain Significance. Experimental studies and prediction algorithms are not available or were not evaluated, and the functional significance of this variant is currently unknown. This variant has not been reported in the literature in individuals affected with ALMS1-related conditions. This sequence change replaces serine, which is neutral and polar, with tyrosine, which is neutral and polar, at codon 3735 of the ALMS1 protein (p.Ser3735Tyr).